The following is an entry in ClinVar:

NM_000384.3(APOB):c.6529T>A (p.Tyr2177Asn)

Gene: APOB (apolipoprotein B; minus strand). Cytogenetic location: 2p24.1.
Variant type: single nucleotide variant.
Coding change: c.6529T>A on transcript NM_000384.3 (MANE Select); coding-DNA position 6529, T replaced by A.
Protein change: p.Tyr2177Asn; replaces tyrosine 2177 with asparagine.
Molecular consequence: missense variant.
Genome position (GRCh38, 1-based): chr2:21,010,339, A>T on the plus strand (T>A on the coding strand, the complement: APOB is on the minus strand). VCF-style: chr2-21010339-A-T. GRCh37 (hg19) VCF-style: chr2-21233211-A-T.
Other names: short protein forms Y2177N.
Identifiers: ClinVar variation 4862503 (VCV004862503.1).

ClinVar aggregate classification (germline): Uncertain significance (1 of 4 stars; one submission).

Conditions:
Cardiovascular phenotype. Identifiers: MedGen CN230736.

Submission:

Ambry Genetics
Classification: Uncertain significance for Cardiovascular phenotype. Last evaluated: 2026-03-30. Review status: criteria provided, single submitter. Criteria: Ambry Variant Classification Scheme 2023. Collection method: clinical testing. Allele origin: germline.
Comment: The p.Y2177N variant (also known as c.6529T>A), located in coding exon 26 of the APOB gene, results from a T to A substitution at nucleotide position 6529. The tyrosine at codon 2177 is replaced by asparagine, an amino acid with dissimilar properties. This amino acid position is conserved. In addition, this alteration is predicted to be tolerated by in silico analysis. Based on the available evidence, the clinical significance of this variant remains unclear.